The following is an entry in ClinVar:

NM_001330360.2(POLA1):c.3338C>T (p.Thr1113Ile)

Gene: POLA1 (DNA polymerase alpha 1, catalytic subunit; plus strand). Cytogenetic location: Xp22.11.
Variant type: single nucleotide variant.
Coding change: c.3338C>T on transcript NM_001330360.2 (MANE Select); coding-DNA position 3338, C replaced by T.
Protein change: p.Thr1113Ile; replaces threonine 1113 with isoleucine.
Molecular consequence: missense variant. On other transcripts: non-coding transcript variant (2).
Genome position (GRCh38, 1-based): chrX:24,815,020, C>T. VCF-style: chrX-24815020-C-T. GRCh37 (hg19) VCF-style: chrX-24833137-C-T.
Other names: c.3263C>T, p.Thr1088Ile (NM_001378303.1); c.3338C>T, p.Thr1113Ile (NM_001440806.1); c.3320C>T, p.Thr1107Ile (NM_016937.4); short protein forms T1088I, T1113I, T1107I.
Identifiers: ClinVar variation 4701854 (VCV004701854.1).
Genomic context (GRCh38, chrX:24,815,020, plus strand): 5'-TTTTTTTTTTTTTTTGCAGCTTTGTGATTGGCCAGATTCTTTCTGATCAAAGCCGGGACA[C>T]TATAGTGGAAAACATTCAGAAGAGGCTGATAGAAATTGGAGAAAATGTGCTAAATGGCAG-3'
Protein context (NP_001317289.1, residues 1103-1123): GQILSDQSRD[Thr1113Ile]IVENIQKRLI

ClinVar aggregate classification (germline): Uncertain significance (1 of 4 stars; one submission).

gnomAD v4.1: 5 of 1,182,891 alleles (0.00042%); highest among the groups gnomAD compares: Non-Finnish European, 0.00057%; no homozygotes.

Submission:

Labcorp Genetics (formerly Invitae), Labcorp
Classification: Uncertain significance. Last evaluated: 2025-03-30. Review status: criteria provided, single submitter. Criteria: Invitae Variant Classification Sherloc (09022015). Collection method: clinical testing. Allele origin: germline.
Comment: This sequence change replaces threonine, which is neutral and polar, with isoleucine, which is neutral and non-polar, at codon 1107 of the POLA1 protein (p.Thr1107Ile). This variant is present in population databases (no rsID available, gnomAD 0.001%). This variant has not been reported in the literature in individuals affected with POLA1-related conditions. Invitae Evidence Modeling of protein sequence and biophysical properties (such as structural, functional, and spatial information, amino acid conservation, physicochemical variation, residue mobility, and thermodynamic stability) indicates that this missense variant is not expected to disrupt POLA1 protein function with a negative predictive value of 80%. In summary, the available evidence is currently insufficient to determine the role of this variant in disease. Therefore, it has been classified as a Variant of Uncertain Significance.